The following is an entry in ClinVar:

ClinVar aggregate classification (germline): Benign. Review status: criteria provided, multiple submitters, no conflicts (2 of 4 stars). 3 submissions from 3 submitters: Benign (3). Last evaluated 2025-09-26.

Conditions:
Atypical hemolytic-uremic syndrome with I factor anomaly. Also called: HEMOLYTIC UREMIC SYNDROME, ATYPICAL, SUSCEPTIBILITY TO, 3; AHUS, SUSCEPTIBILITY TO, 3. Identifiers: Orphanet 2134, MedGen C2752039, MONDO:0013041, OMIM 612923.
CFI-related disorder. Also called: CFI-related disorders; CFI-related condition. Identifiers: MedGen CN239325.

Allele frequency attached by ClinVar (database versions not stated): gnomAD exomes 0.00097 and 0.00192; ExAC 0.00271; 1000 Genomes Project 30x 0.00734; 1000 Genomes Project 0.00739; gnomAD 0.00789 and 0.00857; TOPMed 0.00946.
gnomAD v4.1: 1,867 of 799,092 alleles (0.23%); highest among the groups gnomAD compares: African/African-American, 2.7%; 24 homozygotes.

Submissions (3):

Genomenon, Inc
Classification: Benign for CFI-related disorder. Last evaluated: 2025-09-26. Review status: criteria provided, single submitter. Criteria: Genomenon Sequence Variant Interpretation Standards - Updated. Collection method: curation. Allele origin: germline. Affected: no.
Comment: CFI c.*144T>C is a variant located in the 3′ untranslated region (3′ UTR). This variant is present at high allele frequency in population databases. In conclusion, we classify CFI c.*144T>C as a benign variant.

Illumina Laboratory Services, Illumina
Classification: Benign for Atypical hemolytic-uremic syndrome with I factor anomaly. Last evaluated: 2018-01-13. Review status: criteria provided, single submitter. Criteria: ICSL Variant Classification Criteria 13 December 2019. Collection method: clinical testing. Allele origin: germline.
Comment: This variant was observed in the ICSL laboratory as part of a predisposition screen in an ostensibly healthy population. It had not been previously curated by ICSL or reported in the Human Gene Mutation Database (HGMD: prior to June 1st, 2018), and was therefore a candidate for classification through an automated scoring system. Utilizing variant allele frequency, disease prevalence and penetrance estimates, and inheritance mode, an automated score was calculated to assess if this variant is too frequent to cause the disease. Based on the score and internal cut-off values, a variant classified as benign is not then subjected to further curation. The score for this variant resulted in a classification of benign for this disease.

Breakthrough Genomics
Classification: Benign. Review status: criteria provided, single submitter. Criteria: ACMG Guidelines, 2015. Collection method: not provided. Allele origin: germline. Inheritance: Autosomal recessive inheritance. Affected: yes.

NM_000204.5(CFI):c.*144T>C

Gene: CFI (complement factor I; minus strand). Cytogenetic location: 4q25.
Variant type: single nucleotide variant.
Coding change: c.*144T>C on transcript NM_000204.5 (MANE Select); 144 bases downstream of the stop codon, T replaced by C.
Molecular consequence: 3 prime UTR variant. On other transcripts: non-coding transcript variant (3), intron variant (5).
Genome position (GRCh38, 1-based): chr4:109,740,749, A>G on the plus strand (T>C on the coding strand, the complement: CFI is on the minus strand). VCF-style: chr4-109740749-A-G. GRCh37 (hg19) VCF-style: chr4-110661905-A-G.
Other names: c.*144T>C (NM_001318057.2, NM_001331035.2, NM_001375283.1 and 1 more transcripts); c.1513+1742T>C (NM_001375282.1, NM_001375280.1); c.1534+1742T>C (NM_001375281.1, NM_001375279.1); c.1558+1742T>C (NM_001375278.1).
Identifiers: ClinVar variation 347142 (VCV000347142.7), dbSNP rs77449037, ClinGen allele CA3041802.
Genomic context (GRCh38, chr4:109,740,749, plus strand): 5'-AACTTGTATGCTTCACCAAAATATTTATTTGAGAATTATACAACAAAATTCCAATATGGC[A>G]TAAACTCTGTGGAGACCTTTAAAAATATCCAGTGAGATTTGCTTCATTTTTCCCCCCTAG-3'